The following is an entry in ClinVar:

NM_001195263.2(PDZD7):c.2331_2336del (p.773RS[5])

Gene: PDZD7 (PDZ domain containing 7; minus strand). Cytogenetic location: 10q24.31.
Variant type: Deletion.
Coding change: c.2331_2336del on transcript NM_001195263.2 (MANE Select); coding-DNA positions 2331 to 2336, 6 bases deleted (TAGCCG; older notation c.2331_2336delTAGCCG).
Protein change: p.773RS[5].
Molecular consequence: inframe deletion.
Genome position (GRCh38, 1-based): chr10:101,010,553-101,010,558, CGGCTA deleted on the plus strand (TAGCCG on the coding strand, the reverse complement: PDZD7 is on the minus strand); deleting any 6 consecutive bases within chr10:101,010,553-101,010,563 gives the same sequence; the c. name uses the placement nearest the transcript's 3' end. VCF-style (leftmost placement, unchanged base first): chr10-101010552-GCGGCTA-G. GRCh37 (hg19) VCF-style: chr10-102770309-GCGGCTA-G.
Identifiers: ClinVar variation 965031 (VCV000965031.7), dbSNP rs767463146, ClinGen allele CA5653978.

ClinVar aggregate classification (germline): Uncertain significance. Review status: criteria provided, multiple submitters, no conflicts (2 of 4 stars). 2 submissions from 2 submitters: Uncertain significance (2). Last evaluated 2023-08-30.

Submissions (2):

Blueprint Genetics
Classification: Uncertain significance. Last evaluated: 2023-08-30. Review status: criteria provided, single submitter. Criteria: ACMG Guidelines, 2015. Collection method: clinical testing. Allele origin: germline.

Labcorp Genetics (formerly Invitae), Labcorp
Classification: Uncertain significance. Last evaluated: 2022-07-12. Review status: criteria provided, single submitter. Criteria: Invitae Variant Classification Sherloc (09022015). Collection method: clinical testing. Allele origin: germline.
Comment: In summary, the available evidence is currently insufficient to determine the role of this variant in disease. Therefore, it has been classified as a Variant of Uncertain Significance. Experimental studies and prediction algorithms are not available or were not evaluated, and the functional significance of this variant is currently unknown. ClinVar contains an entry for this variant (Variation ID: 965031). This variant has not been reported in the literature in individuals affected with PDZD7-related conditions. This variant is present in population databases (rs767463146, gnomAD 0.01%). This variant, c.2331_2336del, results in the deletion of 2 amino acid(s) of the PDZD7 protein (p.Arg783_Ser784del), but otherwise preserves the integrity of the reading frame.